The following is an entry in ClinVar:

ClinVar aggregate classification (germline): Uncertain significance (1 of 4 stars; one submission).

Conditions:
Brugada syndrome 4 (BRGDA4). Identifiers: Orphanet 130, MedGen C2678477, MONDO:0012743, OMIM 611876.

Submission:

Labcorp Genetics (formerly Invitae), Labcorp
Classification: Uncertain significance for Brugada syndrome 4. Last evaluated: 2024-07-03. Review status: criteria provided, single submitter. Criteria: Invitae Variant Classification Sherloc (09022015). Collection method: clinical testing. Allele origin: germline.
Comment: This sequence change replaces lysine, which is basic and polar, with glutamic acid, which is acidic and polar, at codon 213 of the CACNB2 protein (p.Lys213Glu). This variant is not present in population databases (gnomAD no frequency). This variant has not been reported in the literature in individuals affected with CACNB2-related conditions. Advanced modeling of protein sequence and biophysical properties (such as structural, functional, and spatial information, amino acid conservation, physicochemical variation, residue mobility, and thermodynamic stability) has been performed at Invitae for this missense variant, however the output from this modeling did not meet the statistical confidence thresholds required to predict the impact of this variant on CACNB2 protein function. In summary, the available evidence is currently insufficient to determine the role of this variant in disease. Therefore, it has been classified as a Variant of Uncertain Significance.

NM_201596.3(CACNB2):c.799A>G (p.Lys267Glu)

Gene: CACNB2 (calcium voltage-gated channel auxiliary subunit beta 2; plus strand). Cytogenetic location: 10p12.31.
Variant type: single nucleotide variant.
Coding change: c.799A>G on transcript NM_201596.3 (MANE Select); coding-DNA position 799, A replaced by G.
Protein change: p.Lys267Glu; replaces lysine 267 with glutamic acid.
Molecular consequence: missense variant. On other transcripts: intron variant (6).
Genome position (GRCh38, 1-based): chr10:18,514,364, A>G. VCF-style: chr10-18514364-A-G. GRCh37 (hg19) VCF-style: chr10-18803293-A-G.
Other names: c.634A>G, p.Lys212Glu (NM_000724.4); c.655A>G, p.Lys219Glu (NM_201570.3); c.715A>G, p.Lys239Glu (NM_201571.4); c.637A>G, p.Lys213Glu (NM_201590.3); c.587-147A>G (NM_001167945.2); c.587-616A>G (NM_201572.4); c.671-147A>G (NM_201593.3); c.671-616A>G (NM_201597.3); and 2 more; short protein forms K212E, K267E, K219E, K239E, K213E.
Identifiers: ClinVar variation 3658570 (VCV003658570.2).